The following is an entry in ClinVar:

ClinVar aggregate classification (germline): Uncertain significance (1 of 4 stars; one submission).

Conditions:
2-aminoadipic 2-oxoadipic aciduria (AAKAD). Also called: ALPHA-AMINOADIPIC AND ALPHA-KETOADIPIC ACIDURIA; Aminoadipic aciduria. Identifiers: Orphanet 79154, MedGen C1859817, MONDO:0008774, OMIM 204750.

Allele frequency attached by ClinVar (database versions not stated): ExAC 0.00001; gnomAD 0.00001; gnomAD exomes 0.00001.
gnomAD v4.1: 12 of 1,612,768 alleles (0.00074%); highest among the groups gnomAD compares: Non-Finnish European, 0.001%; no homozygotes.

Submission:

Labcorp Genetics (formerly Invitae), Labcorp
Classification: Uncertain significance for 2-aminoadipic 2-oxoadipic aciduria. Last evaluated: 2023-11-11. Review status: criteria provided, single submitter. Criteria: Invitae Variant Classification Sherloc (09022015). Collection method: clinical testing. Allele origin: germline.
Comment: This sequence change replaces histidine, which is basic and polar, with tyrosine, which is neutral and polar, at codon 859 of the DHTKD1 protein (p.His859Tyr). This variant is present in population databases (rs769419156, gnomAD 0.0009%). This variant has not been reported in the literature in individuals affected with DHTKD1-related conditions. An algorithm developed to predict the effect of missense changes on protein structure and function (PolyPhen-2) suggests that this variant is likely to be tolerated. In summary, the available evidence is currently insufficient to determine the role of this variant in disease. Therefore, it has been classified as a Variant of Uncertain Significance.

NM_018706.7(DHTKD1):c.2575C>T (p.His859Tyr)

Gene: DHTKD1 (dehydrogenase E1 and transketolase domain containing 1; plus strand). Cytogenetic location: 10p14.
Variant type: single nucleotide variant.
Coding change: c.2575C>T on transcript NM_018706.7 (MANE Select); coding-DNA position 2575, C replaced by T.
Protein change: p.His859Tyr; replaces histidine 859 with tyrosine.
Molecular consequence: missense variant.
Genome position (GRCh38, 1-based): chr10:12,120,184, C>T. VCF-style: chr10-12120184-C-T. GRCh37 (hg19) VCF-style: chr10-12162183-C-T.
Other names: short protein forms H859Y.
Identifiers: ClinVar variation 2994421 (VCV002994421.3), dbSNP rs769419156, ClinGen allele CA5408319.